The following is an entry in ClinVar:

NC_000004.11:g.(?_151412050)_(151793927_?)dup

Genes: LRBA (LPS responsive beige-like anchor protein; minus strand), MAB21L2 (mab-21 like 2; plus strand). Cytogenetic location: 4q31.3.
Variant type: Duplication.
Identifiers: ClinVar variation 3246682 (VCV003246682.1).

ClinVar aggregate classification (germline): Likely pathogenic (1 of 4 stars; one submission).

Conditions:
Combined immunodeficiency due to LRBA deficiency. Also called: Common variable immunodeficiency 8, with autoimmunity. Identifiers: Orphanet 445018, MedGen C3553512, MONDO:0013863, OMIM 614700.

Submission:

Labcorp Genetics (formerly Invitae), Labcorp
Classification: Likely pathogenic for Combined immunodeficiency due to LRBA deficiency. Last evaluated: 2023-10-23. Review status: criteria provided, single submitter. Criteria: Invitae Variant Classification Sherloc (09022015). Collection method: clinical testing. Allele origin: unknown.
Comment: This variant results in a copy number gain of the genomic region encompassing exon(s) 18-42 of the LRBA gene. While the exact position of this variant cannot be determined from the data, sub-genic copy number gains are generally in tandem (PMID: 25640679). This variant is predicted to be out-of-frame, and may result in an absent or disrupted protein product. Loss-of-function variants in LRBA are known to be pathogenic (PMID: 26206937, 26768763). This variant has not been reported in the literature in individuals affected with LRBA-related conditions. In summary, the currently available evidence indicates that the variant is pathogenic, but additional data are needed to prove that conclusively. Therefore, this variant has been classified as Likely Pathogenic.

Literature cited by the submitters: PubMed 25640679; PubMed 26206937; PubMed 26768763.